The following is an entry in ClinVar:

NM_001267550.2(TTN):c.914+3A>G

Gene: TTN (titin; minus strand). Cytogenetic location: 2q31.2.
Variant type: single nucleotide variant.
Coding change: c.914+3A>G on transcript NM_001267550.2 (MANE Select); 3 bases into the intron after coding-DNA position 914, A replaced by G.
Molecular consequence: intron variant.
Genome position (GRCh38, 1-based): chr2:178,799,484, T>C on the plus strand (A>G on the coding strand, the complement: TTN is on the minus strand). VCF-style: chr2-178799484-T-C. GRCh37 (hg19) VCF-style: chr2-179664211-T-C.
Other names: c.914+3A>G (NM_003319.4, NM_133437.4, NM_133432.3 and 3 more transcripts).
Identifiers: ClinVar variation 2922696 (VCV002922696.3), dbSNP rs2534301071, ClinGen allele CA2740096309.
Genomic context (GRCh38, chr2:178,799,484, plus strand): 5'-TTTCTCGTTTCAAAACCTAGTTCCAAAATGTGCAATAATCTGCTCTCTCTATGGCAGCTT[T>C]ACCTGACCGGAGATGGGGTCGGTGCCCGCACGTGTCTGACCGGGGAAGGGGAGTGTCTTA-3'

ClinVar aggregate classification (germline): Uncertain significance (1 of 4 stars; one submission).

Conditions:
Dilated cardiomyopathy 1G (CMD1G). Identifiers: Orphanet 154, MedGen C1858763, MONDO:0011400, OMIM 604145.
Autosomal recessive limb-girdle muscular dystrophy type 2J (LGMDR10). Also called: Limb-girdle muscular dystrophy, type 2J; MUSCULAR DYSTROPHY, LIMB-GIRDLE, AUTOSOMAL RECESSIVE 10. Identifiers: Orphanet 140922, MedGen C1837342, MONDO:0012127, OMIM 608807.

Submission:

Labcorp Genetics (formerly Invitae), Labcorp
Classification: Uncertain significance for Dilated cardiomyopathy 1G; Autosomal recessive limb-girdle muscular dystrophy type 2J. Last evaluated: 2024-04-10. Review status: criteria provided, single submitter. Criteria: Invitae Variant Classification Sherloc (09022015). Collection method: clinical testing. Allele origin: germline.
Comment: This sequence change falls in intron 6 of the TTN gene. It does not directly change the encoded amino acid sequence of the TTN protein. It affects a nucleotide within the consensus splice site. This variant is not present in population databases (gnomAD no frequency). This variant has not been reported in the literature in individuals affected with TTN-related conditions. Variants that disrupt the consensus splice site are a relatively common cause of aberrant splicing (PMID: 17576681, 9536098). Algorithms developed to predict the effect of sequence changes on RNA splicing suggest that this variant may disrupt the consensus splice site. This variant is located in the Z band of TTN (PMID: 25589632). Non-truncating variants in this region may be clinically relevant, but have not been definitively shown to cause cardiomyopathy or neuromuscular disease (PMID: 27493940, 32778822). In summary, the available evidence is currently insufficient to determine the role of this variant in disease. Therefore, it has been classified as a Variant of Uncertain Significance.

Literature cited by the submitters: PubMed 17576681; PubMed 9536098; PubMed 25589632; PubMed 27493940; PubMed 32778822.